The following is an entry in ClinVar:

ClinVar aggregate classification (germline): Conflicting classifications of pathogenicity. Review status: criteria provided, conflicting classifications (1 of 4 stars). 5 submissions from 1 submitter: Uncertain significance (3); Benign (2). Last evaluated 2018-01-13.

Conditions:
Tibial muscular dystrophy (TMD). Also called: Udd Distal Myopathy – Tibial Muscular Dystrophy; UDD MYOPATHY; Tibial muscular dystrophy, tardive. Identifiers: Orphanet 609, MedGen C1838244, MONDO:0010870, OMIM 600334.
Myopathy, myofibrillar, 9, with early respiratory failure (MFM9). Also called: Myopathy, distal, with early respiratory failure, autosomal dominant; Hereditary myopathy with early respiratory failure; EDSTROM MYOPATHY; MYOPATHY, PROXIMAL, WITH EARLY RESPIRATORY MUSCLE INVOLVEMENT. Identifiers: Orphanet 178464, Orphanet 34521, MedGen C1863599, MONDO:0011362, OMIM 603689.
Autosomal recessive limb-girdle muscular dystrophy type 2J (LGMDR10). Also called: MUSCULAR DYSTROPHY, LIMB-GIRDLE, AUTOSOMAL RECESSIVE 10; Limb-girdle muscular dystrophy, type 2J. Identifiers: Orphanet 140922, MedGen C1837342, MONDO:0012127, OMIM 608807.
Dilated cardiomyopathy 1G (CMD1G). Identifiers: Orphanet 154, MedGen C1858763, MONDO:0011400, OMIM 604145.
Early-onset myopathy with fatal cardiomyopathy (CMYO5). Also called: CONGENITAL MYOPATHY 5 WITH CARDIOMYOPATHY; Salih Myopathy. Identifiers: Orphanet 289377, MedGen C2673677, MONDO:0012714, OMIM 611705. Disease mechanism: loss of function.

Allele frequency attached by ClinVar (database versions not stated): gnomAD 0.00001 and 0.00006; TOPMed 0.00004; gnomAD exomes 0.00007; 1000 Genomes Project 0.00080; 1000 Genomes Project 30x 0.00094.
gnomAD v4.1: 16 of 258,970 alleles (0.0062%); highest among the groups gnomAD compares: South Asian, 0.19%; no homozygotes.

Submissions (5):

Illumina Laboratory Services, Illumina
Classification: Uncertain significance for Dilated cardiomyopathy 1G. Last evaluated: 2018-01-13. Review status: criteria provided, single submitter. Criteria: ICSL Variant Classification Criteria 13 December 2019. Collection method: clinical testing. Allele origin: germline.

Illumina Laboratory Services, Illumina
Classification: Uncertain significance for Early-onset myopathy with fatal cardiomyopathy. Last evaluated: 2018-01-13. Review status: criteria provided, single submitter. Criteria: ICSL Variant Classification Criteria 13 December 2019. Collection method: clinical testing. Allele origin: germline.

Illumina Laboratory Services, Illumina
Classification: Uncertain significance for Autosomal recessive limb-girdle muscular dystrophy type 2J. Last evaluated: 2018-01-13. Review status: criteria provided, single submitter. Criteria: ICSL Variant Classification Criteria 13 December 2019. Collection method: clinical testing. Allele origin: germline.

Illumina Laboratory Services, Illumina
Classification: Benign for Myopathy, myofibrillar, 9, with early respiratory failure. Last evaluated: 2018-01-13. Review status: criteria provided, single submitter. Criteria: ICSL Variant Classification Criteria 13 December 2019. Collection method: clinical testing. Allele origin: germline.
Comment: This variant was observed in the ICSL laboratory as part of a predisposition screen in an ostensibly healthy population. It had not been previously curated by ICSL or reported in the Human Gene Mutation Database (HGMD: prior to June 1st, 2018), and was therefore a candidate for classification through an automated scoring system. Utilizing variant allele frequency, disease prevalence and penetrance estimates, and inheritance mode, an automated score was calculated to assess if this variant is too frequent to cause the disease. Based on the score and internal cut-off values, a variant classified as benign is not then subjected to further curation. The score for this variant resulted in a classification of benign for this disease.

Illumina Laboratory Services, Illumina
Classification: Benign for Tibial muscular dystrophy. Last evaluated: 2018-01-13. Review status: criteria provided, single submitter. Criteria: ICSL Variant Classification Criteria 13 December 2019. Collection method: clinical testing. Allele origin: germline.
Comment: the same text as in the submission from Illumina Laboratory Services, Illumina above.

NM_001267550.2(TTN):c.*280A>G

Genes: TTN (titin; minus strand), TTN-AS1 (TTN antisense RNA 1; plus strand). Cytogenetic location: 2q31.2.
Variant type: single nucleotide variant.
Coding change: c.*280A>G on transcript NM_001267550.2 (MANE Select); 280 bases downstream of the stop codon, A replaced by G.
Molecular consequence: 3 prime UTR variant.
Genome position (GRCh38, 1-based): chr2:178,526,732, T>C on the plus strand (A>G on the coding strand, the complement: TTN is on the minus strand). VCF-style: chr2-178526732-T-C. GRCh37 (hg19) VCF-style: chr2-179391459-T-C.
Other names: c.*280A>G (NM_133378.4, NM_001256850.1, NM_003319.4 and 2 more transcripts).
Identifiers: ClinVar variation 332670 (VCV000332670.5), dbSNP rs549242855, ClinGen allele CA10611997.